The following is an entry in ClinVar:

ClinVar aggregate classification (germline): Pathogenic (1 of 4 stars; one submission).

Conditions:
Propionic acidemia (PROP). Also called: GLYCINEMIA, KETOTIC; HYPERGLYCINEMIA WITH KETOACIDOSIS AND LEUKOPENIA; KETOTIC HYPERGLYCINEMIA. Identifiers: Orphanet 35, MedGen C0268579, MONDO:0011628, OMIM 606054, HP:0003571.

Submission:

Labcorp Genetics (formerly Invitae), Labcorp
Classification: Pathogenic for Propionic acidemia. Last evaluated: 2020-01-28. Review status: criteria provided, single submitter. Criteria: Invitae Variant Classification Sherloc (09022015). Collection method: clinical testing. Allele origin: germline.
Comment: This variant is an out-of-frame deletion of the genomic region encompassing exons 19-21 of the PCCA gene. This is expected to create a premature translational stop signal and result in an absent or disrupted protein product. This variant has not been reported in the literature in individuals with PCCA-related conditions. For these reasons, this variant has been classified as Pathogenic. Loss-of-function variants in PCCA are known to be pathogenic (PMID: 15464417).

Literature cited by the submitters: PubMed 15464417.

NC_000013.10:g.(?_101020716)_(101101569_?)del

Gene: PCCA (propionyl-CoA carboxylase subunit alpha; plus strand). Cytogenetic location: 13q32.3.
Variant type: Deletion.
Identifiers: ClinVar variation 1076459 (VCV001076459.5).